The following is an entry in ClinVar:

NM_033026.6(PCLO):c.6026A>G (p.Asp2009Gly)

Gene: PCLO (piccolo presynaptic cytomatrix protein; minus strand). Cytogenetic location: 7q21.11.
Variant type: single nucleotide variant.
Coding change: c.6026A>G on transcript NM_033026.6 (MANE Select); coding-DNA position 6026, A replaced by G.
Protein change: p.Asp2009Gly; replaces aspartic acid 2009 with glycine.
Molecular consequence: missense variant.
Genome position (GRCh38, 1-based): chr7:82,954,927, T>C on the plus strand (A>G on the coding strand, the complement: PCLO is on the minus strand). VCF-style: chr7-82954927-T-C. GRCh37 (hg19) VCF-style: chr7-82584243-T-C.
Other names: c.6026A>G, p.Asp2009Gly (NM_014510.3); c.6026A>G (NM_033026.5); short protein forms D2009G.
Identifiers: ClinVar variation 1414296 (VCV001414296.6), dbSNP rs369279251, ClinGen allele CA4320546.
Genomic context (GRCh38, chr7:82,954,927, plus strand): 5'-ATATCTTCCTGAGGCACAACAGAATGTAAGCTTTCTAACTCATAAAACTCTTTCTGGAGG[T>C]CTGTAATTTTCTGCATAGGATCTTCATAAATCTGTTCTGAAAGTCTTATCTTTTGCTCTC-3'
Protein context (NP_149015.2, residues 1999-2019): IYEDPMQKIT[Asp2009Gly]LQKEFYELES

ClinVar aggregate classification (germline): Uncertain significance. Review status: criteria provided, multiple submitters, no conflicts (2 of 4 stars). 2 submissions from 2 submitters: Uncertain significance (2). Last evaluated 2024-01-16.

Conditions:
Inborn genetic diseases. Identifiers: MedGen C0950123, MeSH D030342.

Allele frequency attached by ClinVar (database versions not stated): gnomAD exomes 0.00001; ExAC 0.00002; gnomAD 0.00003 and 0.00004; TOPMed 0.00005; ESP Exome Variant Server 0.00008.
gnomAD v4.1: 75 of 1,613,418 alleles (0.0046%); highest among the groups gnomAD compares: Non-Finnish European, 0.0059%; no homozygotes.

Submissions (2):

Ambry Genetics
Classification: Uncertain significance for Inborn genetic diseases. Last evaluated: 2024-01-16. Review status: criteria provided, single submitter. Criteria: Ambry Variant Classification Scheme 2023. Collection method: clinical testing. Allele origin: germline.

Labcorp Genetics (formerly Invitae), Labcorp
Classification: Uncertain significance. Last evaluated: 2022-06-03. Review status: criteria provided, single submitter. Criteria: Invitae Variant Classification Sherloc (09022015). Collection method: clinical testing. Allele origin: germline.
Comment: This sequence change replaces aspartic acid, which is acidic and polar, with glycine, which is neutral and non-polar, at codon 2009 of the PCLO protein (p.Asp2009Gly). This variant is present in population databases (rs369279251, gnomAD 0.002%). This variant has not been reported in the literature in individuals affected with PCLO-related conditions. ClinVar contains an entry for this variant (Variation ID: 1414296). Algorithms developed to predict the effect of missense changes on protein structure and function are either unavailable or do not agree on the potential impact of this missense change (SIFT: "Tolerated"; PolyPhen-2: "Not Available"; Align-GVGD: "Class C0"). In summary, the available evidence is currently insufficient to determine the role of this variant in disease. Therefore, it has been classified as a Variant of Uncertain Significance.